The following is an entry in ClinVar:

NM_004204.5(PIGQ):c.662C>T (p.Ser221Leu)

Gene: PIGQ (phosphatidylinositol glycan anchor biosynthesis class Q; plus strand). Cytogenetic location: 16p13.3.
Variant type: single nucleotide variant.
Coding change: c.662C>T on transcript NM_004204.5 (MANE Select); coding-DNA position 662, C replaced by T.
Protein change: p.Ser221Leu; replaces serine 221 with leucine.
Molecular consequence: missense variant.
Genome position (GRCh38, 1-based): chr16:574,736, C>T. VCF-style: chr16-574736-C-T. GRCh37 (hg19) VCF-style: chr16-624736-C-T.
Other names: c.662C>T, p.Ser221Leu (NM_148920.4); c.662C>T (NM_148920.1); short protein forms S221L.
Identifiers: ClinVar variation 1367666 (VCV001367666.7), dbSNP rs1331791399, ClinGen allele CA394050199.

ClinVar aggregate classification (germline): Uncertain significance. Review status: criteria provided, multiple submitters, no conflicts (2 of 4 stars). 2 submissions from 2 submitters: Uncertain significance (2). Last evaluated 2022-02-02.

Conditions:
Inborn genetic diseases. Identifiers: MedGen C0950123, MeSH D030342.
Epilepsy. Also called: Seizure disorder. Identifiers: MedGen C0014544, MeSH D004827, MONDO:0005027.

Allele frequency attached by ClinVar (database versions not stated): gnomAD 0.00001; gnomAD exomes 0.00001; TOPMed 0.00002.
gnomAD v4.1: 8 of 1,582,684 alleles (0.00051%); highest among the groups gnomAD compares: East Asian, 0.0045%; no homozygotes.

Submissions (2):

Labcorp Genetics (formerly Invitae), Labcorp
Classification: Uncertain significance for Epilepsy. Last evaluated: 2022-02-02. Review status: criteria provided, single submitter. Criteria: Invitae Variant Classification Sherloc (09022015). Collection method: clinical testing. Allele origin: germline.
Comment: In summary, the available evidence is currently insufficient to determine the role of this variant in disease. Therefore, it has been classified as a Variant of Uncertain Significance. Algorithms developed to predict the effect of missense changes on protein structure and function are either unavailable or do not agree on the potential impact of this missense change (SIFT: "Deleterious"; PolyPhen-2: "Possibly Damaging"; Align-GVGD: "Class C0"). This variant has not been reported in the literature in individuals affected with PIGQ-related conditions. This variant is present in population databases (no rsID available, gnomAD 0.01%). This sequence change replaces serine, which is neutral and polar, with leucine, which is neutral and non-polar, at codon 221 of the PIGQ protein (p.Ser221Leu).

Ambry Genetics
Classification: Uncertain significance for Inborn genetic diseases. Last evaluated: 2021-08-02. Review status: criteria provided, single submitter. Criteria: Ambry Variant Classification Scheme 2023. Collection method: clinical testing. Allele origin: germline.